The following is an entry in ClinVar:

NM_001378615.1(CC2D2A):c.121C>T (p.Gln41Ter)

Genes: CC2D2A (coiled-coil and C2 domain containing 2A; plus strand), FBXL5 (F-box and leucine rich repeat protein 5; minus strand). Cytogenetic location: 4p15.32.
Variant type: single nucleotide variant.
Coding change: c.121C>T on transcript NM_001378615.1 (MANE Select); coding-DNA position 121, C replaced by T.
Protein change: p.Gln41Ter; replaces glutamine 41 with a stop codon.
Molecular consequence: nonsense.
Genome position (GRCh38, 1-based): chr4:15,478,804, C>T. VCF-style: chr4-15478804-C-T. GRCh37 (hg19) VCF-style: chr4-15480428-C-T.
Other names: c.121C>T, p.Gln41Ter (NM_001080522.2, NM_001164720.3, NM_020785.2); short protein forms Q41*.
Identifiers: ClinVar variation 1456425 (VCV001456425.7), dbSNP rs2108970120, ClinGen allele CA356407240.

ClinVar aggregate classification (germline): Pathogenic/Likely pathogenic. Review status: criteria provided, multiple submitters, no conflicts (2 of 4 stars). 2 submissions from 2 submitters: Pathogenic (1); Likely pathogenic (1). Last evaluated 2024-03-24.

Conditions:
COACH syndrome 2. Identifiers: MedGen C5436837, MONDO:0030859, OMIM 619111.
Meckel syndrome, type 6. Identifiers: Orphanet 564, MedGen C2676790, MONDO:0012848, OMIM 612284.
Retinitis pigmentosa 93. Identifiers: MedGen C5676970, MONDO:0030797, OMIM 619845.
Joubert syndrome 9 (JBTS9). Identifiers: Orphanet 2318, MedGen C2676788, MONDO:0012849, OMIM 612285.
Joubert syndrome. Also called: JOUBERT-BOLTSHAUSER SYNDROME; Familial aplasia of the vermis. Identifiers: Orphanet 475, MedGen C5979921, MONDO:0018772.
Meckel-Gruber syndrome. Also called: DYSENCEPHALIA SPLANCHNOCYSTICA; GRUBER SYNDROME; Dysencephalia splachnocystica. Identifiers: Orphanet 564, MedGen C0265215, MONDO:0018921.

Submissions (2):

Fulgent Genetics
Classification: Likely pathogenic for Meckel syndrome, type 6; Joubert syndrome 9; COACH syndrome 2; Retinitis pigmentosa 93. Last evaluated: 2024-03-24. Review status: criteria provided, single submitter. Criteria: ACMG Guidelines, 2015. Collection method: clinical testing. Allele origin: germline.

Labcorp Genetics (formerly Invitae), Labcorp
Classification: Pathogenic for Joubert syndrome; Meckel-Gruber syndrome. Last evaluated: 2023-08-10. Review status: criteria provided, single submitter. Criteria: Invitae Variant Classification Sherloc (09022015). Collection method: clinical testing. Allele origin: germline.
Comment: For these reasons, this variant has been classified as Pathogenic. ClinVar contains an entry for this variant (Variation ID: 1456425). This variant has not been reported in the literature in individuals affected with CC2D2A-related conditions. This variant is not present in population databases (gnomAD no frequency). This sequence change creates a premature translational stop signal (p.Gln41*) in the CC2D2A gene. It is expected to result in an absent or disrupted protein product. Loss-of-function variants in CC2D2A are known to be pathogenic (PMID: 19777577).

Literature cited by the submitters: PubMed 19777577 (cited by Labcorp Genetics (formerly Invitae), Labcorp).